The following is an entry in ClinVar:

ClinVar aggregate classification (germline): Uncertain significance. Review status: criteria provided, single submitter (1 of 4 stars). 2 submissions from 2 submitters: Uncertain significance (1). 1 of the submissions does not count toward it. Last evaluated 2018-05-18.

Conditions:
Alstrom syndrome (ALMS). Identifiers: Orphanet 64, MedGen C0268425, MONDO:0008763, OMIM 203800.

gnomAD v4.1: 6 of 1,614,140 alleles (0.00037%); highest among the groups gnomAD compares: East Asian, 0.0022%; no homozygotes.

Submissions (2):

GeneDx
Classification: Uncertain significance. Last evaluated: 2018-05-18. Review status: criteria provided, single submitter. Criteria: GeneDx Variant Classification (06012015). Collection method: clinical testing. Allele origin: germline. Affected: yes.
Comment: A variant of uncertain significance has been identified in the ALMS1 gene. The R4093L variant has not been published as pathogenic or been reported as benign to our knowledge. This variant is observed in 3/246080 (0.0012%) alleles from individuals of multiple ethnic backgrounds in large population cohorts (Lek et al., 2016). In-silico analyses, including protein predictors and evolutionary conservation, support that this variant does not alter protein structure/function. However, the R4093L variant is a non-conservative amino acid substitution, which is likely to impact secondary protein structure as these residues differ in polarity, charge, size and/or other properties. Therefore, based on the currently available information, it is unclear whether this variant is pathogenic or rare benign.

Natera, Inc.
Classification: Uncertain significance for Alstrom syndrome. Last evaluated: 2019-10-28. Review status: no assertion criteria provided. Collection method: clinical testing. Allele origin: germline. Not counted in ClinVar's aggregate classification.

NM_001378454.1(ALMS1):c.12275G>T (p.Arg4092Leu)

Genes: ALMS1 (ALMS1 centrosome and basal body associated protein; plus strand), LOC126806252 (BRD4-independent group 4 enhancer GRCh37_chr2:73828496-73829695; plus strand). Cytogenetic location: 2p13.1.
Variant type: single nucleotide variant.
Coding change: c.12275G>T on transcript NM_001378454.1 (MANE Select); coding-DNA position 12275, G replaced by T.
Protein change: p.Arg4092Leu; replaces arginine 4092 with leucine.
Molecular consequence: missense variant.
Genome position (GRCh38, 1-based): chr2:73,602,345, G>T. VCF-style: chr2-73602345-G-T. GRCh37 (hg19) VCF-style: chr2-73829472-G-T.
Other names: c.12278G>T, p.Arg4093Leu (NM_015120.4); short protein forms R4093L, R4092L.
Identifiers: ClinVar variation 546361 (VCV000546361.3), dbSNP rs748624161, ClinGen allele CA1715501.